The following is an entry in ClinVar:

ClinVar aggregate classification (germline): Uncertain significance. Review status: criteria provided, multiple submitters, no conflicts (2 of 4 stars). 3 submissions from 3 submitters: Uncertain significance (3). Last evaluated 2024-05-20.

Conditions:
Inborn genetic diseases. Identifiers: MedGen C0950123, MeSH D030342.
Autosomal recessive spinocerebellar ataxia 20. Identifiers: Orphanet 397709, MedGen C5190595, MONDO:0014601, OMIM 616354.

Allele frequency attached by ClinVar (database versions not stated): ExAC 0.00007.
gnomAD v4.1: 29 of 1,573,934 alleles (0.0018%); highest among the groups gnomAD compares: Admixed American, 0.043%; no homozygotes.

Submissions (3):

Ambry Genetics
Classification: Uncertain significance for Inborn genetic diseases. Last evaluated: 2024-05-20. Review status: criteria provided, single submitter. Criteria: Ambry Variant Classification Scheme 2023. Collection method: clinical testing. Allele origin: germline.

GeneDx
Classification: Uncertain significance. Last evaluated: 2021-05-17. Review status: criteria provided, single submitter. Criteria: GeneDx Variant Classification Process June 2021. Collection method: clinical testing. Allele origin: germline. Affected: yes.
Comment: In silico analysis supports that this missense variant does not alter protein structure/function; Has not been previously published as pathogenic or benign to our knowledge

Baylor Genetics
Classification: Uncertain significance for Autosomal recessive spinocerebellar ataxia 20. Last evaluated: 2021-03-03. Review status: criteria provided, single submitter. Criteria: ACMG Guidelines, 2015. Collection method: clinical testing. Allele origin: unknown. Affected: yes. Study: CSER-TexasKidsCanSeq.
Comment: This variant was determined to be of uncertain significance according to ACMG Guidelines, 2015 [PMID:25741868].

NM_153816.6(SNX14):c.572C>A (p.Thr191Asn)

Gene: SNX14 (sorting nexin 14; minus strand). Cytogenetic location: 6q14.3.
Variant type: single nucleotide variant.
Coding change: c.572C>A on transcript NM_153816.6 (MANE Select); coding-DNA position 572, C replaced by A.
Protein change: p.Thr191Asn; replaces threonine 191 with asparagine.
Molecular consequence: missense variant. On other transcripts: 5 prime UTR variant (5), non-coding transcript variant (6), intron variant (2).
Genome position (GRCh38, 1-based): chr6:85,558,038, G>T on the plus strand (C>A on the coding strand, the complement: SNX14 is on the minus strand). VCF-style: chr6-85558038-G-T. GRCh37 (hg19) VCF-style: chr6-86267756-G-T.
Other names: c.572C>A, p.Thr191Asn (NM_001297614.3, NM_001350538.2, NM_001350540.2 and 1 more transcripts); c.416C>A, p.Thr139Asn (NM_001304479.2, NM_001350544.2); c.635C>A, p.Thr212Asn (NM_001350532.2); c.569C>A, p.Thr190Asn (NM_001350533.2, NM_001350534.2, NM_001350535.2); c.440C>A, p.Thr147Asn (NM_001350536.2, NM_020468.6); c.437C>A, p.Thr146Asn (NM_001350537.2); c.413C>A, p.Thr138Asn (NM_001350539.2); c.284C>A, p.Thr95Asn (NM_001350542.2); and 7 more; short protein forms T138N, T139N, T146N, T147N, T190N, T191N, T212N, T43N.
Identifiers: ClinVar variation 1326011 (VCV001326011.4), dbSNP rs773557814, ClinGen allele CA3912388.
Genomic context (GRCh38, chr6:85,558,038, plus strand): 5'-TTCTGTCTGGCTTTAACTATCACTTCTATATGCTTCATTGCTGCTTTTAATAGTTTCTTG[G>T]TTATAATAGATGGAATATCCACCTAGAAAAATTCAAGATTAAAACTTTTAAAATAATTAT-3'
Protein context (NP_722523.1, residues 181-201): IHKVDIPSII[Thr191Asn]KKLLKAAMKH